The following is an entry in ClinVar:

ClinVar aggregate classification (germline): Uncertain significance (1 of 4 stars; one submission).

Allele frequency attached by ClinVar (database versions not stated): ExAC 0.00002; TOPMed 0.00002; gnomAD exomes 0.00005.
gnomAD v4.1: 74 of 1,614,050 alleles (0.0046%); highest among the groups gnomAD compares: East Asian, 0.12%; no homozygotes.

Submission:

Ambry Genetics
Classification: Uncertain significance. Last evaluated: 2022-11-07. Review status: criteria provided, single submitter. Criteria: Ambry Variant Classification Scheme 2023. Collection method: clinical testing. Allele origin: germline.
Comment: The p.V2091A variant (also known as c.6272T>C), located in coding exon 11 of the ALPK2 gene, results from a T to C substitution at nucleotide position 6272. The valine at codon 2091 is replaced by alanine, an amino acid with similar properties. This amino acid position is conserved. In addition, this alteration is predicted to be tolerated by in silico analysis. Since supporting evidence is limited at this time, the clinical significance of this alteration remains unclear.

NM_052947.4(ALPK2):c.6272T>C (p.Val2091Ala)

Gene: ALPK2 (alpha kinase 2; minus strand). Cytogenetic location: 18q21.31.
Variant type: single nucleotide variant.
Coding change: c.6272T>C on transcript NM_052947.4 (MANE Select); coding-DNA position 6272, T replaced by C.
Protein change: p.Val2091Ala; replaces valine 2091 with alanine.
Molecular consequence: missense variant.
Genome position (GRCh38, 1-based): chr18:58,498,073, A>G on the plus strand (T>C on the coding strand, the complement: ALPK2 is on the minus strand). VCF-style: chr18-58498073-A-G. GRCh37 (hg19) VCF-style: chr18-56165305-A-G.
Other names: short protein forms V2091A.
Identifiers: ClinVar variation 2450945 (VCV002450945.2), dbSNP rs777060616, ClinGen allele CA8976209.